The following is an entry in ClinVar:

NM_016562.4(TLR7):c.1069C>T (p.Arg357Cys)

Gene: TLR7 (toll like receptor 7; plus strand). Cytogenetic location: Xp22.2.
Variant type: single nucleotide variant.
Coding change: c.1069C>T on transcript NM_016562.4 (MANE Select); coding-DNA position 1069, C replaced by T.
Protein change: p.Arg357Cys; replaces arginine 357 with cysteine.
Molecular consequence: missense variant.
Genome position (GRCh38, 1-based): chrX:12,886,577, C>T. VCF-style: chrX-12886577-C-T. GRCh37 (hg19) VCF-style: chrX-12904696-C-T.
Other names: p.Arg357Cys; short protein forms R357C.
Identifiers: ClinVar variation 2179910 (VCV002179910.5), dbSNP rs755359069, ClinGen allele CA10349993.
Genomic context (GRCh38, chrX:12,886,577, plus strand): 5'-CATTTTCTCCCCAGCCTCATCCAATTGGATCTGTCTTTCAATTTTGAACTTCAGGTCTAT[C>T]GTGCATCTATGAATCTATCACAAGCATTTTCTTCACTGAAAAGCCTGAAAATTCTGCGGA-3'
Protein context (NP_057646.1, residues 347-367): LSFNFELQVY[Arg357Cys]ASMNLSQAFS

ClinVar aggregate classification (germline): Uncertain significance. Review status: criteria provided, multiple submitters, no conflicts (2 of 4 stars). 2 submissions from 2 submitters: Uncertain significance (2). Last evaluated 2024-09-19.

Allele frequency attached by ClinVar (database versions not stated): TOPMed 0.00002; ExAC 0.00003; gnomAD exomes 0.00003; gnomAD 0.00004.
gnomAD v4.1: 43 of 1,210,268 alleles (0.0036%); highest among the groups gnomAD compares: Non-Finnish European, 0.0042%; no homozygotes.

Submissions (2):

Labcorp Genetics (formerly Invitae), Labcorp
Classification: Uncertain significance. Last evaluated: 2024-09-19. Review status: criteria provided, single submitter. Criteria: Invitae Variant Classification Sherloc (09022015). Collection method: clinical testing. Allele origin: germline.
Comment: This sequence change replaces arginine, which is basic and polar, with cysteine, which is neutral and slightly polar, at codon 357 of the TLR7 protein (p.Arg357Cys). This variant is present in population databases (rs755359069, gnomAD 0.007%). This variant has not been reported in the literature in individuals affected with TLR7-related conditions. ClinVar contains an entry for this variant (Variation ID: 2179910). An algorithm developed to predict the effect of missense changes on protein structure and function (PolyPhen-2) suggests that this variant is likely to be disruptive. Experimental studies have shown that this missense change affects TLR7 function (PMID: 34413140). In summary, the available evidence is currently insufficient to determine the role of this variant in disease. Therefore, it has been classified as a Variant of Uncertain Significance.

Mayo Clinic Laboratories, Mayo Clinic
Classification: Uncertain significance. Last evaluated: 2024-04-25. Review status: criteria provided, single submitter. Criteria: ACMG Guidelines, 2015. Collection method: clinical testing. Allele origin: germline. Observed: 1 variant allele.
Comment: BP4

Literature cited by the submitters: PubMed 34413140 (cited by Labcorp Genetics (formerly Invitae), Labcorp and Mayo Clinic Laboratories, Mayo Clinic).